The following is an entry in ClinVar:

NM_133642.5(LARGE1):c.106+3A>T

Gene: LARGE1 (LARGE xylosyl- and glucuronyltransferase 1; minus strand). Cytogenetic location: 22q12.3.
Variant type: single nucleotide variant.
Coding change: c.106+3A>T on transcript NM_133642.5 (MANE Select); 3 bases into the intron after coding-DNA position 106, A replaced by T.
Molecular consequence: intron variant.
Genome position (GRCh38, 1-based): chr22:33,761,368, T>A on the plus strand (A>T on the coding strand, the complement: LARGE1 is on the minus strand). VCF-style: chr22-33761368-T-A. GRCh37 (hg19) VCF-style: chr22-34157355-T-A.
Other names: c.106+3A>T (NM_001362953.2, NM_001362949.2, NM_001378627.1 and 7 more transcripts).
Identifiers: ClinVar variation 1986622 (VCV001986622.1), dbSNP rs2520888011, ClinGen allele CA2580099772.

ClinVar aggregate classification (germline): Uncertain significance (1 of 4 stars; one submission).

Conditions:
Muscular dystrophy-dystroglycanopathy type B6 (MDDGB6). Also called: MUSCULAR DYSTROPHY, CONGENITAL, LARGE-RELATED; MUSCULAR DYSTROPHY, CONGENITAL, TYPE 1D; MUSCULAR DYSTROPHY-DYSTROGLYCANOPATHY (CONGENITAL WITH IMPAIRED INTELLECTUAL DEVELOPMENT), TYPE B, 6. Identifiers: MedGen C1837229, MONDO:0012138, OMIM 608840.

Submission:

Labcorp Genetics (formerly Invitae), Labcorp
Classification: Uncertain significance for Muscular dystrophy-dystroglycanopathy type B6. Last evaluated: 2022-08-22. Review status: criteria provided, single submitter. Criteria: Invitae Variant Classification Sherloc (09022015). Collection method: clinical testing. Allele origin: germline.
Comment: This sequence change falls in intron 3 of the LARGE1 gene. It does not directly change the encoded amino acid sequence of the LARGE1 protein. It affects a nucleotide within the consensus splice site. This variant is not present in population databases (gnomAD no frequency). This variant has not been reported in the literature in individuals affected with LARGE1-related conditions. Variants that disrupt the consensus splice site are a relatively common cause of aberrant splicing (PMID: 17576681, 9536098). Algorithms developed to predict the effect of sequence changes on RNA splicing suggest that this variant may disrupt the consensus splice site. In summary, the available evidence is currently insufficient to determine the role of this variant in disease. Therefore, it has been classified as a Variant of Uncertain Significance.

Literature cited by the submitters: PubMed 17576681; PubMed 9536098.